The following is an entry in ClinVar:

NM_007294.4(BRCA1):c.2656T>C (p.Ser886Pro)

Gene: BRCA1 (BRCA1 DNA repair associated; minus strand). Cytogenetic location: 17q21.31.
Variant type: single nucleotide variant.
Coding change: c.2656T>C on transcript NM_007294.4 (MANE Select); coding-DNA position 2656, T replaced by C.
Protein change: p.Ser886Pro; replaces serine 886 with proline.
Molecular consequence: missense variant. On other transcripts: intron variant (137).
Genome position (GRCh38, 1-based): chr17:43,092,875, A>G on the plus strand (T>C on the coding strand, the complement: BRCA1 is on the minus strand). VCF-style: chr17-43092875-A-G. GRCh37 (hg19) VCF-style: chr17-41244892-A-G.
Other names: c.2443T>C, p.Ser815Pro (NM_001407571.1, NM_001407915.1, NM_001407916.1 and 9 more transcripts); c.2656T>C, p.Ser886Pro (NM_001407581.1, NM_001407582.1, NM_001407583.1 and 30 more transcripts); c.2653T>C, p.Ser885Pro (NM_001407587.1, NM_001407861.1, NM_001407610.1 and 22 more transcripts); c.578-1843T>C (NM_001408514.1, NM_001408485.1, NM_001408481.1 and 9 more transcripts); c.662-1843T>C (NM_001408447.1, NM_001408433.1, NM_001408446.1 and 6 more transcripts); c.785-1843T>C (NM_001408400.1, NM_001408392.1, NM_001407986.1 and 13 more transcripts); c.665-1843T>C (NM_001408441.1, NM_001408437.1, NM_001408429.1 and 12 more transcripts); c.2533T>C, p.Ser845Pro (NM_001407919.1, NM_001407937.1, NM_001407938.1 and 19 more transcripts); and 41 more; short protein forms S590P, S718P, S758P, S759P, S774P, S775P, S797P, S798P.
Identifiers: ClinVar variation 4856449 (VCV004856449.1).

ClinVar aggregate classification (germline): Likely benign (1 of 4 stars; one submission).

Conditions:
Breast-ovarian cancer, familial, susceptibility to, 1 (BROVCA1). Also called: OVARIAN CANCER, SUSCEPTIBILITY TO; BRCA1 Hereditary Breast and Ovarian Cancer. Identifiers: Orphanet 145, MedGen C2676676, MONDO:0011450, OMIM 604370. Disease mechanism: loss of function.

gnomAD v4.1: 2 of 1,614,018 alleles (0.00012%); highest among the groups gnomAD compares: South Asian, 0.0022%; no homozygotes.

Submission:

Cancer Bioinformatics and Tumour Evolution Laboratory, Monash University
Classification: Likely benign for Breast-ovarian cancer, familial, susceptibility to, 1. Last evaluated: 2026-05-01. Review status: criteria provided, single submitter. Criteria: ClinGen BRCA1 and BRCA2 Guidelines, 2024. Collection method: curation. Allele origin: germline. Inheritance: Autosomal dominant inheritance.
Comment: Missense variant outside of a functional domain with no splice impact. BRCA1 and BRCA2 VCEP guidelines recommend application of BP1_Strong (PMID: 39142283)